The following is an entry in ClinVar:

NM_001330723.2(SNX27):c.388T>A (p.Leu130Met)

Gene: SNX27 (sorting nexin 27; plus strand). Cytogenetic location: 1q21.3.
Variant type: single nucleotide variant.
Coding change: c.388T>A on transcript NM_001330723.2 (MANE Select); coding-DNA position 388, T replaced by A.
Protein change: p.Leu130Met; replaces leucine 130 with methionine.
Molecular consequence: missense variant.
Genome position (GRCh38, 1-based): chr1:151,638,964, T>A. VCF-style: chr1-151638964-T-A. GRCh37 (hg19) VCF-style: chr1-151611440-T-A.
Other names: c.388T>A, p.Leu130Met (NM_030918.6); short protein forms L130M.
Identifiers: ClinVar variation 647171 (VCV000647171.6), dbSNP rs767929616, ClinGen allele CA1093407.

ClinVar aggregate classification (germline): Uncertain significance (1 of 4 stars; one submission).

Conditions:
Severe myoclonic epilepsy in infancy (DRVT). Also called: DEVELOPMENTAL AND EPILEPTIC ENCEPHALOPATHY 6A; Severe Myoclonic Epilepsy in Infancy (SMEI); Epileptic encephalopathy, early infantile, 6 (Dravet syndrome); SEVERE MYOCLONIC EPILEPSY OF INFANCY; Dravet syndrome. Identifiers: Orphanet 33069, MedGen C0751122, MONDO:0100135, OMIM 607208.

Allele frequency attached by ClinVar (database versions not stated): gnomAD exomes below 0.00001 and 0.00001; ExAC 0.00001; TOPMed 0.00002.
gnomAD v4.1: 7 of 1,614,162 alleles (0.00043%); highest among the groups gnomAD compares: Middle Eastern, 0.016%; no homozygotes.

Submission:

Labcorp Genetics (formerly Invitae), Labcorp
Classification: Uncertain significance for Severe myoclonic epilepsy in infancy. Last evaluated: 2022-05-05. Review status: criteria provided, single submitter. Criteria: Invitae Variant Classification Sherloc (09022015). Collection method: clinical testing. Allele origin: germline.
Comment: This sequence change replaces leucine, which is neutral and non-polar, with methionine, which is neutral and non-polar, at codon 130 of the SNX27 protein (p.Leu130Met). This variant is present in population databases (rs767929616, gnomAD 0.006%). This variant has not been reported in the literature in individuals affected with SNX27-related conditions. ClinVar contains an entry for this variant (Variation ID: 647171). Algorithms developed to predict the effect of missense changes on protein structure and function are either unavailable or do not agree on the potential impact of this missense change (SIFT: "Deleterious"; PolyPhen-2: "Probably Damaging"; Align-GVGD: "Class C0"). In summary, the available evidence is currently insufficient to determine the role of this variant in disease. Therefore, it has been classified as a Variant of Uncertain Significance.